The following is an entry in ClinVar:

NM_001080442.3(SLC38A8):c.724del (p.Met242fs)

Gene: SLC38A8 (solute carrier family 38 member 8; minus strand). Cytogenetic location: 16q23.3.
Variant type: Deletion.
Coding change: c.724del on transcript NM_001080442.3 (MANE Select); coding-DNA position 724, one base deleted (A; older notation c.724delA).
Protein change: p.Met242fs; shifts the reading frame from methionine 242.
Molecular consequence: frameshift variant.
Genome position (GRCh38, 1-based): chr16:84,022,856, T deleted on the plus strand (A on the coding strand, the reverse complement: SLC38A8 is on the minus strand). VCF-style (leftmost placement, unchanged base first): chr16-84022855-AT-A. GRCh37 (hg19) VCF-style: chr16-84056460-AT-A.
Other names: short protein forms M242fs.
Identifiers: ClinVar variation 2985546 (VCV002985546.3), dbSNP rs2085111611, ClinGen allele CA979899862.
Genomic context (GRCh38, chr16:84,022,855, plus strand): 5'-CAGCAGGCCAGCAAGGACAGCACAGACACCAGGGCCCAGTGGGAGAGGCTCCGTTTGCGC[AT>A]GCTGCAGTAGATGGAGACGGCAGCTTCGTGACACTGTAAGACAGAGGGCGGCTCAGCAGG-3'

ClinVar aggregate classification (germline): Pathogenic (1 of 4 stars; one submission).

Allele frequency attached by ClinVar (database versions not stated): gnomAD 0.00001; gnomAD exomes 0.00001; TOPMed 0.00001.

Submission:

Labcorp Genetics (formerly Invitae), Labcorp
Classification: Pathogenic. Last evaluated: 2024-02-19. Review status: criteria provided, single submitter. Criteria: Invitae Variant Classification Sherloc (09022015). Collection method: clinical testing. Allele origin: germline.
Comment: This sequence change creates a premature translational stop signal (p.Met242Cysfs*26) in the SLC38A8 gene. It is expected to result in an absent or disrupted protein product. Loss-of-function variants in SLC38A8 are known to be pathogenic (PMID: 24290379). This variant is not present in population databases (gnomAD no frequency). This variant has not been reported in the literature in individuals affected with SLC38A8-related conditions. For these reasons, this variant has been classified as Pathogenic.

Literature cited by the submitters: PubMed 24290379.